The following is an entry in ClinVar:

NM_000094.4(COL7A1):c.1889G>C (p.Ser630Thr)

Gene: COL7A1 (collagen type VII alpha 1 chain; minus strand). Cytogenetic location: 3p21.31.
Variant type: single nucleotide variant.
Coding change: c.1889G>C on transcript NM_000094.4 (MANE Select); coding-DNA position 1889, G replaced by C.
Protein change: p.Ser630Thr; replaces serine 630 with threonine.
Molecular consequence: missense variant.
Genome position (GRCh38, 1-based): chr3:48,590,476, C>G on the plus strand (G>C on the coding strand, the complement: COL7A1 is on the minus strand). VCF-style: chr3-48590476-C-G. GRCh37 (hg19) VCF-style: chr3-48627909-C-G.
Other names: short protein forms S630T.
Identifiers: ClinVar variation 2145383 (VCV002145383.2), dbSNP rs917353855, ClinGen allele CA73989882.

ClinVar aggregate classification (germline): Uncertain significance. Review status: criteria provided, multiple submitters, no conflicts (2 of 4 stars). 2 submissions from 2 submitters: Uncertain significance (2). Last evaluated 2025-08-25.

Conditions:
Inborn genetic diseases. Identifiers: MedGen C0950123, MeSH D030342.

Allele frequency attached by ClinVar (database versions not stated): gnomAD 0.00001.
gnomAD v4.1: 13 of 1,614,056 alleles (0.00081%); highest among the groups gnomAD compares: Non-Finnish European, 0.00085%; no homozygotes.

Submissions (2):

Ambry Genetics
Classification: Uncertain significance for Inborn genetic diseases. Last evaluated: 2025-08-25. Review status: criteria provided, single submitter. Criteria: Ambry Variant Classification Scheme 2023. Collection method: clinical testing. Allele origin: germline.

Labcorp Genetics (formerly Invitae), Labcorp
Classification: Uncertain significance. Last evaluated: 2022-01-12. Review status: criteria provided, single submitter. Criteria: Invitae Variant Classification Sherloc (09022015). Collection method: clinical testing. Allele origin: germline.
Comment: This sequence change replaces serine, which is neutral and polar, with threonine, which is neutral and polar, at codon 630 of the COL7A1 protein (p.Ser630Thr). This variant is not present in population databases (gnomAD no frequency). This variant has not been reported in the literature in individuals affected with COL7A1-related conditions. Advanced modeling of protein sequence and biophysical properties (such as structural, functional, and spatial information, amino acid conservation, physicochemical variation, residue mobility, and thermodynamic stability) performed at Invitae indicates that this missense variant is not expected to disrupt COL7A1 protein function. In summary, the available evidence is currently insufficient to determine the role of this variant in disease. Therefore, it has been classified as a Variant of Uncertain Significance.